The following is an entry in ClinVar:

ClinVar aggregate classification (germline): Likely benign (0 of 4 stars; one submission).

Conditions:
GNAS-related disorder. Identifiers: MedGen CN380105.

Allele frequency attached by ClinVar (database versions not stated): ESP Exome Variant Server 0.00031.
gnomAD v4.1: 9 of 1,613,508 alleles (0.00056%); highest among the groups gnomAD compares: African/African-American, 0.012%; no homozygotes.

Submission:

PreventionGenetics, part of Exact Sciences
Classification: Likely benign for GNAS-related condition. Last evaluated: 2022-01-12. Review status: no assertion criteria provided. Collection method: clinical testing. Allele origin: germline.
Comment: This variant is classified as likely benign based on ACMG/AMP sequence variant interpretation guidelines (Richards et al. 2015 PMID: 25741868, with internal and published modifications).

NM_016592.5(GNAS):c.417C>A (p.Thr139=)

Genes: GNAS (GNAS complex locus; plus strand), GNAS-AS1 (GNAS antisense RNA 1; minus strand). Cytogenetic location: 20q13.32.
Variant type: single nucleotide variant.
Coding change: c.417C>A on transcript NM_016592.5 (MANE Plus Clinical); coding-DNA position 417, C replaced by A.
Protein change: p.Thr139=; no amino-acid change (threonine 139 retained).
Molecular consequence: synonymous variant. On other transcripts: 5 prime UTR variant (1).
Genome position (GRCh38, 1-based): chr20:58,840,523, C>A. VCF-style: chr20-58840523-C-A. GRCh37 (hg19) VCF-style: chr20-57415578-C-A.
Other names: c.-321C>A (NM_001410912.1).
Identifiers: ClinVar variation 3043786 (VCV003043786.2), dbSNP rs148044699, ClinGen allele CA9926328.